The following is an entry in ClinVar:

NM_058172.6(ANTXR2):c.*1521A>G

Gene: ANTXR2 (ANTXR cell adhesion molecule 2; minus strand). Cytogenetic location: 4q21.21.
Variant type: single nucleotide variant.
Coding change: c.*1521A>G on transcript NM_058172.6 (MANE Select); 1521 bases downstream of the stop codon, A replaced by G.
Molecular consequence: 3 prime UTR variant.
Genome position (GRCh38, 1-based): chr4:79,905,908, T>C on the plus strand (A>G on the coding strand, the complement: ANTXR2 is on the minus strand). VCF-style: chr4-79905908-T-C. GRCh37 (hg19) VCF-style: chr4-80827062-T-C.
Other names: c.*1521A>G (NM_001286780.2, NM_001286781.2).
Identifiers: ClinVar variation 905460 (VCV000905460.5), dbSNP rs7747, ClinGen allele CA11832059.
Genomic context (GRCh38, chr4:79,905,908, plus strand): 5'-TGCCCGCCAAACATGAAATGTTCGCCTTCTCCCTTCCAATGTGATGGTTGTTGAACTTAT[T>C]TTTAGTGTCATTTGATAAGCCTTTGTGCTCACAGAGAGACATCCCACTGACCCAGCCACT-3'

ClinVar aggregate classification (germline): Benign. Review status: criteria provided, multiple submitters, no conflicts (2 of 4 stars). 2 submissions from 2 submitters: Benign (2). Last evaluated 2018-01-13.

Conditions:
Hyaline fibromatosis syndrome (HFS). Also called: Hyalinosis, Inherited Systemic; HYALINOSIS, SYSTEMIC. Identifiers: Orphanet 2028, Orphanet 498474, MedGen C5574677, MONDO:0009229, OMIM 228600.

Allele frequency attached by ClinVar (database versions not stated): gnomAD exomes 0.74107; gnomAD 0.80751 and 0.81322; TOPMed 0.81893; 1000 Genomes Project 30x 0.84697; 1000 Genomes Project 0.85164.
gnomAD v4.1: 123,963 of 152,468 alleles (81%); highest among the groups gnomAD compares: East Asian, 100%; 50,610 homozygotes.

Submissions (2):

Illumina Laboratory Services, Illumina
Classification: Benign for Hyaline fibromatosis syndrome. Last evaluated: 2018-01-13. Review status: criteria provided, single submitter. Criteria: ICSL Variant Classification Criteria 13 December 2019. Collection method: clinical testing. Allele origin: germline.
Comment: This variant was observed in the ICSL laboratory as part of a predisposition screen in an ostensibly healthy population. It had not been previously curated by ICSL or reported in the Human Gene Mutation Database (HGMD: prior to June 1st, 2018), and was therefore a candidate for classification through an automated scoring system. Utilizing variant allele frequency, disease prevalence and penetrance estimates, and inheritance mode, an automated score was calculated to assess if this variant is too frequent to cause the disease. Based on the score and internal cut-off values, a variant classified as benign is not then subjected to further curation. The score for this variant resulted in a classification of benign for this disease.

Breakthrough Genomics
Classification: Benign. Review status: criteria provided, single submitter. Criteria: ACMG Guidelines, 2015. Collection method: not provided. Allele origin: germline. Inheritance: Autosomal recessive inheritance. Affected: yes.